The following is an entry in ClinVar:

NM_017534.6(MYH2):c.2626A>G (p.Arg876Gly)

Genes: MYHAS (myosin heavy chain gene cluster antisense RNA; plus strand), MYH2 (myosin heavy chain 2; minus strand). Cytogenetic location: 17p13.1.
Variant type: single nucleotide variant.
Coding change: c.2626A>G on transcript NM_017534.6 (MANE Select); coding-DNA position 2626, A replaced by G.
Protein change: p.Arg876Gly; replaces arginine 876 with glycine.
Molecular consequence: missense variant.
Genome position (GRCh38, 1-based): chr17:10,531,704, T>C on the plus strand (A>G on the coding strand, the complement: MYH2 is on the minus strand). VCF-style: chr17-10531704-T-C. GRCh37 (hg19) VCF-style: chr17-10435021-T-C.
Other names: c.2626A>G, p.Arg876Gly (NM_001100112.2); short protein forms R876G.
Identifiers: ClinVar variation 321683 (VCV000321683.15), dbSNP rs201784718, ClinGen allele CA8391100.

ClinVar aggregate classification (germline): Uncertain significance. Review status: criteria provided, multiple submitters, no conflicts (2 of 4 stars). 3 submissions from 3 submitters: Uncertain significance (3). Last evaluated 2025-11-03.

Conditions:
Inborn genetic diseases. Identifiers: MedGen C0950123, MeSH D030342.
Myopathy, proximal, and ophthalmoplegia (CMYO6). Also called: MYOPATHY WITH CONGENITAL JOINT CONTRACTURES, OPHTHALMOPLEGIA, AND RIMMED VACUOLES; INCLUSION BODY MYOPATHY 3, AUTOSOMAL DOMINANT; CONGENITAL MYOPATHY 6 WITH OPHTHALMOPLEGIA. Identifiers: Orphanet 363677, Orphanet 79091, MedGen C1854106, MONDO:0011577, OMIM 605637.

Allele frequency attached by ClinVar (database versions not stated): gnomAD exomes 0.00010 and 0.00020; TOPMed 0.00010; ExAC 0.00012; ESP Exome Variant Server 0.00015; gnomAD 0.00015 and 0.00016.

Submissions (3):

Labcorp Genetics (formerly Invitae), Labcorp
Classification: Uncertain significance for Myopathy, proximal, and ophthalmoplegia. Last evaluated: 2025-11-03. Review status: criteria provided, single submitter. Criteria: Invitae Variant Classification Sherloc (09022015). Collection method: clinical testing. Allele origin: germline.
Comment: This sequence change replaces arginine, which is basic and polar, with glycine, which is neutral and non-polar, at codon 876 of the MYH2 protein (p.Arg876Gly). This variant is present in population databases (rs201784718, gnomAD 0.02%). This variant has not been reported in the literature in individuals affected with MYH2-related conditions. ClinVar contains an entry for this variant (Variation ID: 321683). Invitae Evidence Modeling of protein sequence and biophysical properties (such as structural, functional, and spatial information, amino acid conservation, physicochemical variation, residue mobility, and thermodynamic stability) indicates that this missense variant is expected to disrupt MYH2 protein function with a positive predictive value of 80%. In summary, the available evidence is currently insufficient to determine the role of this variant in disease. Therefore, it has been classified as a Variant of Uncertain Significance.

Ambry Genetics
Classification: Uncertain significance for Inborn genetic diseases. Last evaluated: 2023-08-04. Review status: criteria provided, single submitter. Criteria: Ambry Variant Classification Scheme 2023. Collection method: clinical testing. Allele origin: germline.

GeneDx
Classification: Uncertain significance. Last evaluated: 2023-03-10. Review status: criteria provided, single submitter. Criteria: GeneDx Variant Classification Process June 2021. Collection method: clinical testing. Allele origin: germline. Affected: yes.
Comment: In silico analysis supports that this missense variant has a deleterious effect on protein structure/function; Has not been previously published as pathogenic or benign to our knowledge